The following is an entry in ClinVar:

NM_004055.5(CAPN5):c.1444G>A (p.Glu482Lys)

Gene: CAPN5 (calpain 5; plus strand). Cytogenetic location: 11q13.5.
Variant type: single nucleotide variant.
Coding change: c.1444G>A on transcript NM_004055.5 (MANE Select); coding-DNA position 1444, G replaced by A.
Protein change: p.Glu482Lys; replaces glutamic acid 482 with lysine.
Molecular consequence: missense variant.
Genome position (GRCh38, 1-based): chr11:77,120,866, G>A. VCF-style: chr11-77120866-G-A. GRCh37 (hg19) VCF-style: chr11-76831912-G-A.
Other names: short protein forms E482K.
Identifiers: ClinVar variation 866943 (VCV000866943.12), dbSNP rs782244741, ClinGen allele CA6196818.
Genomic context (GRCh38, chr11:77,120,866, plus strand): 5'-GACCAGCCCGAGGGCCGCTATGTCATCATCCCCACAACCTTCGAGCCAGGCCACACTGGC[G>A]AGTTCCTGCTCCGAGTCTTCACTGATGTGCCCTCCAACTGCCGGTACTTGGGGGCTGGCT-3'
Protein context (NP_004046.2, residues 472-492): PTTFEPGHTG[Glu482Lys]FLLRVFTDVP

ClinVar aggregate classification (germline): Uncertain significance. Review status: criteria provided, multiple submitters, no conflicts (2 of 4 stars). 3 submissions from 3 submitters: Uncertain significance (3). Last evaluated 2026-04-14.

Conditions:
Inborn genetic diseases. Identifiers: MedGen C0950123, MeSH D030342.

Allele frequency attached by ClinVar (database versions not stated): ExAC 0.00001; gnomAD exomes 0.00002 and 0.00007; gnomAD 0.00004; TOPMed 0.00004.

Submissions (3):

Ambry Genetics
Classification: Uncertain significance for Inborn genetic diseases. Last evaluated: 2026-04-14. Review status: criteria provided, single submitter. Criteria: Ambry Variant Classification Scheme 2023. Collection method: clinical testing. Allele origin: germline.

Labcorp Genetics (formerly Invitae), Labcorp
Classification: Uncertain significance. Last evaluated: 2025-03-31. Review status: criteria provided, single submitter. Criteria: Invitae Variant Classification Sherloc (09022015). Collection method: clinical testing. Allele origin: germline.
Comment: This sequence change replaces glutamic acid, which is acidic and polar, with lysine, which is basic and polar, at codon 482 of the CAPN5 protein (p.Glu482Lys). This variant is present in population databases (rs782244741, gnomAD 0.004%). This variant has not been reported in the literature in individuals affected with CAPN5-related conditions. ClinVar contains an entry for this variant (Variation ID: 866943). Invitae Evidence Modeling of protein sequence and biophysical properties (such as structural, functional, and spatial information, amino acid conservation, physicochemical variation, residue mobility, and thermodynamic stability) indicates that this missense variant is not expected to disrupt CAPN5 protein function with a negative predictive value of 80%. In summary, the available evidence is currently insufficient to determine the role of this variant in disease. Therefore, it has been classified as a Variant of Uncertain Significance.

Blueprint Genetics
Classification: Uncertain significance. Last evaluated: 2024-04-19. Review status: criteria provided, single submitter. Criteria: ACMG Guidelines, 2015. Collection method: clinical testing. Allele origin: germline.